The following is an entry in ClinVar:

ClinVar aggregate classification (germline): Uncertain significance (1 of 4 stars; one submission).

Conditions:
Ullrich congenital muscular dystrophy 2 (UCMD2). Identifiers: Orphanet 75840, MedGen C4225314, MONDO:0014654, OMIM 616470.
Bethlem myopathy 2 (BTHLM2). Identifiers: Orphanet 536516, Orphanet 610, MedGen C4225313, MONDO:0034022, OMIM 616471.

gnomAD v4.1: 2 of 1,614,128 alleles (0.00012%); highest among the groups gnomAD compares: South Asian, 0.0011%; no homozygotes.

Submission:

Labcorp Genetics (formerly Invitae), Labcorp
Classification: Uncertain significance for Bethlem myopathy 2; Ullrich congenital muscular dystrophy 2. Last evaluated: 2023-12-20. Review status: criteria provided, single submitter. Criteria: Invitae Variant Classification Sherloc (09022015). Collection method: clinical testing. Allele origin: germline.
Comment: This sequence change replaces glycine, which is neutral and non-polar, with tryptophan, which is neutral and slightly polar, at codon 2962 of the COL12A1 protein (p.Gly2962Trp). This variant is not present in population databases (gnomAD no frequency). This variant has not been reported in the literature in individuals affected with COL12A1-related conditions. An algorithm developed to predict the effect of missense changes on protein structure and function (PolyPhen-2) suggests that this variant is likely to be disruptive. In summary, the available evidence is currently insufficient to determine the role of this variant in disease. Therefore, it has been classified as a Variant of Uncertain Significance.

NM_004370.6(COL12A1):c.8884G>T (p.Gly2962Trp)

Gene: COL12A1 (collagen type XII alpha 1 chain; minus strand). Cytogenetic location: 6q13.
Variant type: single nucleotide variant.
Coding change: c.8884G>T on transcript NM_004370.6 (MANE Select); coding-DNA position 8884, G replaced by T.
Protein change: p.Gly2962Trp; replaces glycine 2962 with tryptophan.
Molecular consequence: missense variant.
Genome position (GRCh38, 1-based): chr6:75,090,167, C>A on the plus strand (G>T on the coding strand, the complement: COL12A1 is on the minus strand). VCF-style: chr6-75090167-C-A. GRCh37 (hg19) VCF-style: chr6-75799883-C-A.
Other names: c.5392G>T, p.Gly1798Trp (NM_080645.3, NM_001424116.1); c.8884G>T, p.Gly2962Trp (NM_001424113.1); c.8863G>T, p.Gly2955Trp (NM_001424114.1); c.8611G>T, p.Gly2871Trp (NM_001424115.1); short protein forms G2955W, G2962W, G1798W, G2871W.
Identifiers: ClinVar variation 2930378 (VCV002930378.3), dbSNP rs2533031317, ClinGen allele CA364734662.
Genomic context (GRCh38, chr6:75,090,167, plus strand): 5'-TACCTCGTTCCCCAGGGGGTCCCTGCATCCCTGGTGTGCCCGGGAAGCCTGGCCGCCCCC[C>A]AGGCCCAGGTTCTCCTCTGGCTCCTGCGCTACCAGGAGGTCCCGGTGGACCCGGCGGGCC-3'
Protein context (NP_004361.3, residues 2952-2972): SAGARGEPGP[Gly2962Trp]GRPGFPGTPG